The following is an entry in ClinVar:

ClinVar aggregate classification (germline): Uncertain significance. Review status: criteria provided, multiple submitters, no conflicts (2 of 4 stars). 2 submissions from 2 submitters: Uncertain significance (2). Last evaluated 2025-06-24.

Conditions:
Hereditary cancer-predisposing syndrome. Also called: Tumor predisposition; Neoplastic Syndromes, Hereditary; Hereditary neoplastic syndrome; Hereditary Cancer Syndrome. Identifiers: Orphanet 140162, MedGen C0027672, MeSH D009386, MONDO:0015356.

Submissions (2):

Ambry Genetics
Classification: Uncertain significance for Hereditary cancer-predisposing syndrome. Last evaluated: 2025-06-24. Review status: criteria provided, single submitter. Criteria: Ambry Variant Classification Scheme 2023. Collection method: clinical testing. Allele origin: germline.
Comment: The p.L2207V variant (also known as c.6619C>G), located in coding exon 47 of the POLE gene, results from a C to G substitution at nucleotide position 6619. The leucine at codon 2207 is replaced by valine, an amino acid with highly similar properties. This amino acid position is conserved. In addition, this alteration is predicted to be tolerated by in silico analysis. Since supporting evidence is limited at this time, the clinical significance of this alteration remains unclear.

Labcorp Genetics (formerly Invitae), Labcorp
Classification: Uncertain significance. Last evaluated: 2025-01-13. Review status: criteria provided, single submitter. Criteria: Invitae Variant Classification Sherloc (09022015). Collection method: clinical testing. Allele origin: germline.
Comment: This sequence change replaces leucine, which is neutral and non-polar, with valine, which is neutral and non-polar, at codon 2207 of the POLE protein (p.Leu2207Val). This variant is not present in population databases (gnomAD no frequency). This variant has not been reported in the literature in individuals affected with POLE-related conditions. ClinVar contains an entry for this variant (Variation ID: 849551). Invitae Evidence Modeling of protein sequence and biophysical properties (such as structural, functional, and spatial information, amino acid conservation, physicochemical variation, residue mobility, and thermodynamic stability) indicates that this missense variant is not expected to disrupt POLE protein function with a negative predictive value of 80%. In summary, the available evidence is currently insufficient to determine the role of this variant in disease. Therefore, it has been classified as a Variant of Uncertain Significance.

NM_006231.4(POLE):c.6619C>G (p.Leu2207Val)

Gene: POLE (DNA polymerase epsilon, catalytic subunit; minus strand). Cytogenetic location: 12q24.33.
Variant type: single nucleotide variant.
Coding change: c.6619C>G on transcript NM_006231.4 (MANE Select); coding-DNA position 6619, C replaced by G.
Protein change: p.Leu2207Val; replaces leucine 2207 with valine.
Molecular consequence: missense variant.
Genome position (GRCh38, 1-based): chr12:132,625,683, G>C on the plus strand (C>G on the coding strand, the complement: POLE is on the minus strand). VCF-style: chr12-132625683-G-C. GRCh37 (hg19) VCF-style: chr12-133202269-G-C.
Other names: c.6619C>G (NM_006231.2); short protein forms L2207V.
Identifiers: ClinVar variation 849551 (VCV000849551.10), dbSNP rs1286217111, ClinGen allele CA387366544.